The following is an entry in ClinVar:

NM_005502.4(ABCA1):c.5762A>G (p.Tyr1921Cys)

Gene: ABCA1 (ATP binding cassette subfamily A member 1; minus strand). Cytogenetic location: 9q31.1.
Variant type: single nucleotide variant.
Coding change: c.5762A>G on transcript NM_005502.4 (MANE Select); coding-DNA position 5762, A replaced by G.
Protein change: p.Tyr1921Cys; replaces tyrosine 1921 with cysteine.
Molecular consequence: missense variant.
Genome position (GRCh38, 1-based): chr9:104,791,994, T>C on the plus strand (A>G on the coding strand, the complement: ABCA1 is on the minus strand). VCF-style: chr9-104791994-T-C. GRCh37 (hg19) VCF-style: chr9-107554275-T-C.
Other names: short protein forms Y1921C.
Identifiers: ClinVar variation 2502192 (VCV002502192.2), dbSNP rs995195717, ClinGen allele CA197356025.

ClinVar aggregate classification (germline): Uncertain significance (1 of 4 stars; one submission).

Conditions:
Tangier disease (TGD). Also called: Cholesterol thesaurismosis; HIGH DENSITY LIPOPROTEIN DEFICIENCY, TANGIER TYPE; HIGH DENSITY LIPOPROTEIN DEFICIENCY, TYPE 1. Identifiers: Orphanet 31150, MedGen C0039292, MONDO:0008783, OMIM 205400.
Hypoalphalipoproteinemia, primary, 1. Identifiers: Orphanet 425, MedGen C5231558, MONDO:0011393, OMIM 604091.

Allele frequency attached by ClinVar (database versions not stated): gnomAD exomes below 0.00001; gnomAD 0.00001; TOPMed 0.00001.
gnomAD v4.1: 3 of 1,612,912 alleles (0.00019%); highest among the groups gnomAD compares: Admixed American, 0.005%; no homozygotes.

Submission:

New York Genome Center
Classification: Uncertain significance for Tangier disease; Hypoalphalipoproteinemia, primary, 1. Last evaluated: 2022-07-11. Review status: criteria provided, single submitter. Criteria: NYGC Assertion Criteria 2020. Collection method: clinical testing. Allele origin: germline. Observed: 1 heterozygote.
Comment: The c.5762A>G p.(Tyr1921Cys) variant identified in the ABCA1 gene substitutes a very well conserved Tyrosine for Cysteine at amino acid 1921/2262 (exon 43/50). This variant is found with low frequency in population databases gnomAD, TOPMed Freeze 8, and All of Us (allele frequency: 9.18e-6) suggesting it is not a common benign variant in the populations represented in that database. In silico algorithms predict this variant to be Pathogenic (REVEL=0.8659) to the function of the canonical transcript. This variant is absent from ClinVar and to our current knowledge has not been reported in affected individuals in the literature. The p.Tyr1921 residue is within the ABC transporter 2 domain of ABCA1 (UniProtKB:O95477). Given the lack of compelling evidence for its pathogenicity, the c.5762A>G p.(Tyr1921Cys) variant identified in the ABCA1 gene is reported as a Variant of Uncertain Significance.